The following is an entry in ClinVar:

ClinVar aggregate classification (germline): Uncertain significance. Review status: criteria provided, multiple submitters, no conflicts (2 of 4 stars). 2 submissions from 2 submitters: Uncertain significance (2). Last evaluated 2025-04-09.

Conditions:
Phenylketonuria (PKU). Also called: FOLLING DISEASE; Phenylketonurias; Phenylketonuria (PKU); OLIGOPHRENIA PHENYLPYRUVICA. Identifiers: Orphanet 716, MedGen C0031485, MONDO:0009861, OMIM 261600. Disease mechanism: loss of function.

gnomAD v4.1: 1 of 1,614,120 alleles (0.000062%); no homozygotes.

Submissions (2):

Labcorp Genetics (formerly Invitae), Labcorp
Classification: Uncertain significance for Phenylketonuria. Last evaluated: 2025-04-09. Review status: criteria provided, single submitter. Criteria: Invitae Variant Classification Sherloc (09022015). Collection method: clinical testing. Allele origin: germline.
Comment: This sequence change replaces lysine, which is basic and polar, with glutamic acid, which is acidic and polar, at codon 192 of the PAH protein (p.Lys192Glu). This variant is not present in population databases (gnomAD no frequency). This variant has not been reported in the literature in individuals affected with PAH-related conditions. ClinVar contains an entry for this variant (Variation ID: 2094072). Invitae Evidence Modeling of protein sequence and biophysical properties (such as structural, functional, and spatial information, amino acid conservation, physicochemical variation, residue mobility, and thermodynamic stability) indicates that this missense variant is not expected to disrupt PAH protein function with a negative predictive value of 80%. In summary, the available evidence is currently insufficient to determine the role of this variant in disease. Therefore, it has been classified as a Variant of Uncertain Significance.

GeneDx
Classification: Uncertain significance. Last evaluated: 2023-04-25. Review status: criteria provided, single submitter. Criteria: GeneDx Variant Classification Process June 2021. Collection method: clinical testing. Allele origin: germline. Affected: yes.
Comment: Not observed at significant frequency in large population cohorts (gnomAD); In silico analysis supports that this missense variant does not alter protein structure/function; Has not been previously published as pathogenic or benign to our knowledge

NM_000277.3(PAH):c.574A>G (p.Lys192Glu)

Gene: PAH (phenylalanine hydroxylase; minus strand). Cytogenetic location: 12q23.2.
Variant type: single nucleotide variant.
Coding change: c.574A>G on transcript NM_000277.3 (MANE Select); coding-DNA position 574, A replaced by G.
Protein change: p.Lys192Glu; replaces lysine 192 with glutamic acid.
Molecular consequence: missense variant.
Genome position (GRCh38, 1-based): chr12:102,855,268, T>C on the plus strand (A>G on the coding strand, the complement: PAH is on the minus strand). VCF-style: chr12-102855268-T-C. GRCh37 (hg19) VCF-style: chr12-103249046-T-C.
Other names: c.574A>G, p.Lys192Glu (NM_001354304.2); c.574A>G (NM_000277.1); short protein forms K192E.
Identifiers: ClinVar variation 2094072 (VCV002094072.3), dbSNP rs932415157, ClinGen allele CA242474187.